The following is an entry in ClinVar:

NM_002332.3(LRP1):c.4899C>T (p.Asp1633=)

Gene: LRP1 (LDL receptor related protein 1; plus strand). Cytogenetic location: 12q13.3.
Variant type: single nucleotide variant.
Coding change: c.4899C>T on transcript NM_002332.3 (MANE Select); coding-DNA position 4899, C replaced by T.
Protein change: p.Asp1633=; no amino-acid change (aspartic acid 1633 retained).
Molecular consequence: synonymous variant.
Genome position (GRCh38, 1-based): chr12:57,179,489, C>T. VCF-style: chr12-57179489-C-T. GRCh37 (hg19) VCF-style: chr12-57573272-C-T.
Identifiers: ClinVar variation 774328 (VCV000774328.29), dbSNP rs141892093, ClinGen allele CA6643383.

ClinVar aggregate classification (germline): Benign/Likely benign. Review status: criteria provided, multiple submitters, no conflicts (2 of 4 stars). 3 submissions from 3 submitters: Benign (1); Likely benign (2). Last evaluated 2024-11-23.

Allele frequency attached by ClinVar (database versions not stated): 1000 Genomes Project 30x 0.00047; 1000 Genomes Project 0.00060; gnomAD 0.00148 and 0.00157; TOPMed 0.00168; gnomAD exomes 0.00198 and 0.00231; ExAC 0.00211; ESP Exome Variant Server 0.00215.
gnomAD v4.1: 3,603 of 1,614,218 alleles (0.22%); highest among the groups gnomAD compares: South Asian, 0.38%; 13 homozygotes.

Submissions (3):

Blueprint Genetics
Classification: Likely benign. Last evaluated: 2024-11-23. Review status: criteria provided, single submitter. Criteria: ACMG Guidelines, 2015. Collection method: clinical testing. Allele origin: germline.

CeGaT Center for Human Genetics Tuebingen
Classification: Likely benign. Last evaluated: 2024-02-01. Review status: criteria provided, single submitter. Criteria: CeGaT Center For Human Genetics Tuebingen Variant Classification Criteria Version 2. Collection method: clinical testing. Allele origin: germline. Affected: yes. Observed: 2 variant alleles.
Comment: LRP1: BP4, BP7, BS2

Labcorp Genetics (formerly Invitae), Labcorp
Classification: Benign. Last evaluated: 2019-12-31. Review status: criteria provided, single submitter. Criteria: Invitae Variant Classification Sherloc (09022015). Collection method: clinical testing. Allele origin: germline.